The following is an entry in ClinVar:

ClinVar aggregate classification (germline): Uncertain significance. Review status: criteria provided, multiple submitters, no conflicts (2 of 4 stars). 2 submissions from 2 submitters: Uncertain significance (2). Last evaluated 2023-07-06.

Allele frequency attached by ClinVar (database versions not stated): gnomAD exomes below 0.00001; TOPMed 0.00001.

Submissions (2):

Labcorp Genetics (formerly Invitae), Labcorp
Classification: Uncertain significance. Last evaluated: 2023-07-06. Review status: criteria provided, single submitter. Criteria: Invitae Variant Classification Sherloc (09022015). Collection method: clinical testing. Allele origin: germline.
Comment: This sequence change replaces phenylalanine, which is neutral and non-polar, with isoleucine, which is neutral and non-polar, at codon 269 of the CACNA1F protein (p.Phe269Ile). This variant is not present in population databases (gnomAD no frequency). This variant has not been reported in the literature in individuals affected with CACNA1F-related conditions. ClinVar contains an entry for this variant (Variation ID: 1435944). Advanced modeling of protein sequence and biophysical properties (such as structural, functional, and spatial information, amino acid conservation, physicochemical variation, residue mobility, and thermodynamic stability) performed at Invitae indicates that this missense variant is not expected to disrupt CACNA1F protein function. In summary, the available evidence is currently insufficient to determine the role of this variant in disease. Therefore, it has been classified as a Variant of Uncertain Significance.

Blueprint Genetics
Classification: Uncertain significance. Last evaluated: 2021-11-29. Review status: criteria provided, single submitter. Criteria: ACMG Guidelines, 2015. Collection method: clinical testing. Allele origin: germline.

NM_001256789.3(CACNA1F):c.805T>A (p.Phe269Ile)

Gene: CACNA1F (calcium voltage-gated channel subunit alpha1 F; minus strand). Cytogenetic location: Xp11.23.
Variant type: single nucleotide variant.
Coding change: c.805T>A on transcript NM_001256789.3 (MANE Select); coding-DNA position 805, T replaced by A.
Protein change: p.Phe269Ile; replaces phenylalanine 269 with isoleucine.
Molecular consequence: missense variant.
Genome position (GRCh38, 1-based): chrX:49,230,232, A>T on the plus strand (T>A on the coding strand, the complement: CACNA1F is on the minus strand). VCF-style: chrX-49230232-A-T. GRCh37 (hg19) VCF-style: chrX-49086694-A-T.
Other names: c.610T>A, p.Phe204Ile (NM_001256790.3); c.805T>A, p.Phe269Ile (NM_005183.4); short protein forms F204I, F269I.
Identifiers: ClinVar variation 1435944 (VCV001435944.9), dbSNP rs2065863660, ClinGen allele CA412924093.
Genomic context (GRCh38, chrX:49,230,232, plus strand): 5'-AACCGAAGGAGGGGGCATGTTCTGCCTAGGAGGGGCGGGCAGACTAACCGGATCCCAGGA[A>T]GTAGCACGTCTTGTGCATTCGTCCAAGGAACAGCTCGAGCCCAATGATGGCATAAATGAT-3'
Protein context (NP_001243718.1, residues 259-279): FLGRMHKTCY[Phe269Ile]LGSDMEAEED